The following is an entry in ClinVar:

ClinVar aggregate classification (germline): Pathogenic (1 of 4 stars; one submission).

Submission:

CeGaT Center for Human Genetics Tuebingen
Classification: Pathogenic. Last evaluated: 2023-03-01. Review status: criteria provided, single submitter. Criteria: CeGaT Center For Human Genetics Tuebingen Variant Classification Criteria Version 2. Collection method: clinical testing. Allele origin: germline. Affected: yes. Observed: 1 variant allele.
Comment: TNFAIP3: PVS1, PM2

NM_001270508.2(TNFAIP3):c.1836C>A (p.Cys612Ter)

Gene: TNFAIP3 (TNF alpha induced protein 3; plus strand). Cytogenetic location: 6q23.3.
Variant type: single nucleotide variant.
Coding change: c.1836C>A on transcript NM_001270508.2 (MANE Select); coding-DNA position 1836, C replaced by A.
Protein change: p.Cys612Ter; replaces cysteine 612 with a stop codon.
Molecular consequence: nonsense.
Genome position (GRCh38, 1-based): chr6:137,879,281, C>A. VCF-style: chr6-137879281-C-A. GRCh37 (hg19) VCF-style: chr6-138200418-C-A.
Other names: c.1836C>A, p.Cys612Ter (NM_001270507.2, NM_006290.4); short protein forms C612*.
Identifiers: ClinVar variation 2499023 (VCV002499023.28), dbSNP rs2114506070, ClinGen allele CA365793737.